The following is an entry in ClinVar:

ClinVar aggregate classification (germline): Uncertain significance. Review status: criteria provided, multiple submitters, no conflicts (2 of 4 stars). 5 submissions from 5 submitters: Uncertain significance (5). Last evaluated 2026-01-29.

Conditions:
Myofibrillar myopathy 6. Identifiers: Orphanet 199340, MedGen C2751831, MONDO:0013061, OMIM 612954.
Dilated cardiomyopathy 1HH (CMD1HH). Identifiers: Orphanet 154, MedGen C3151293, MONDO:0013479, OMIM 613881.
Cardiovascular phenotype. Identifiers: MedGen CN230736.
Primary dilated cardiomyopathy (DCM). Also called: Dilated Cardiomyopathy. Identifiers: Orphanet 217604, MedGen C0007193, MeSH D002311, MONDO:0005021, HP:0001644. Inheritance: Various modes of inheritance.

Allele frequency attached by ClinVar (database versions not stated): gnomAD 0.00001 and 0.00002; TOPMed 0.00001; gnomAD exomes 0.00004; ExAC 0.00005; ESP Exome Variant Server 0.00008.
gnomAD v4.1: 21 of 1,613,962 alleles (0.0013%); highest among the groups gnomAD compares: Middle Eastern, 0.016%; no homozygotes.

Submissions (5):

GeneDx
Classification: Uncertain significance. Last evaluated: 2026-01-29. Review status: criteria provided, single submitter. Criteria: GeneDx Variant Classification Process June 2021. Collection method: clinical testing. Allele origin: germline. Affected: yes.
Comment: Reported as a variant of uncertain significance in a patient with cardiomyopathy in published literature (PMID: 31568572); In silico analysis suggests that this missense variant does not alter protein structure/function; This variant is associated with the following publications: (PMID: 31568572)

Labcorp Genetics (formerly Invitae), Labcorp
Classification: Uncertain significance for Dilated cardiomyopathy 1HH; Myofibrillar myopathy 6. Last evaluated: 2025-10-26. Review status: criteria provided, single submitter. Criteria: Invitae Variant Classification Sherloc (09022015). Collection method: clinical testing. Allele origin: germline.
Comment: This sequence change replaces arginine, which is basic and polar, with histidine, which is basic and polar, at codon 294 of the BAG3 protein (p.Arg294His). This variant is present in population databases (rs151335530, gnomAD 0.02%). This missense change has been observed in individual(s) with clinical features of BAG3-related conditions (PMID: 31568572; internal data). ClinVar contains an entry for this variant (Variation ID: 386339). Invitae Evidence Modeling of protein sequence and biophysical properties (such as structural, functional, and spatial information, amino acid conservation, physicochemical variation, residue mobility, and thermodynamic stability) indicates that this missense variant is not expected to disrupt BAG3 protein function with a negative predictive value of 80%. In summary, the available evidence is currently insufficient to determine the role of this variant in disease. Therefore, it has been classified as a Variant of Uncertain Significance.

Ambry Genetics
Classification: Uncertain significance for Cardiovascular phenotype. Last evaluated: 2024-01-16. Review status: criteria provided, single submitter. Criteria: Ambry Variant Classification Scheme 2023. Collection method: clinical testing. Allele origin: germline.
Comment: The p.R294H variant (also known as c.881G>A), located in coding exon 3 of the BAG3 gene, results from a G to A substitution at nucleotide position 881. The arginine at codon 294 is replaced by histidine, an amino acid with highly similar properties. This alteration has been reported in a pediatric cardiomyopathy cohort (K&uuml;hnisch J et al. Clin Genet, 2019 Dec;96:549-559). This amino acid position is well conserved in available vertebrate species. In addition, the in silico prediction for this alteration is inconclusive. Since supporting evidence is limited at this time, the clinical significance of this alteration remains unclear.

Klaassen Lab, Charite University Medicine Berlin
Classification: Uncertain significance for Primary dilated cardiomyopathy. Last evaluated: 2019-07-03. Review status: criteria provided, single submitter. Criteria: ACMG Guidelines, 2015. Collection method: research. Allele origin: germline. Affected: yes.

Revvity Omics, Revvity
Classification: Uncertain significance. Last evaluated: 2019-05-20. Review status: criteria provided, single submitter. Criteria: ACMG Guidelines, 2015. Collection method: clinical testing. Allele origin: germline.

Literature cited by the submitters: PubMed 31568572 (cited by 3 submitters); PubMed 31333075 (cited by Klaassen Lab, Charite University Medicine Berlin).

NM_004281.4(BAG3):c.881G>A (p.Arg294His)

Gene: BAG3 (BAG cochaperone 3; plus strand). Cytogenetic location: 10q26.11.
Variant type: single nucleotide variant.
Coding change: c.881G>A on transcript NM_004281.4 (MANE Select); coding-DNA position 881, G replaced by A.
Protein change: p.Arg294His; replaces arginine 294 with histidine.
Molecular consequence: missense variant.
Genome position (GRCh38, 1-based): chr10:119,672,628, G>A. VCF-style: chr10-119672628-G-A. GRCh37 (hg19) VCF-style: chr10-121432140-G-A.
Other names: short protein forms R294H.
Identifiers: ClinVar variation 386339 (VCV000386339.17), dbSNP rs151335530, ClinGen allele CA5716430.
Genomic context (GRCh38, chr10:119,672,628, plus strand): 5'-CGAGCCGGGAGGGCTCACCAGCCAGGAGCAGCACGCCACTCCACTCCCCCTCGCCCATCC[G>A]TGTGCACACCGTGGTCGACAGGCCTCAGGTACGGGAAGTTAGTCGTCAGCAGACTGGTTA-3'
Protein context (NP_004272.2, residues 284-304): STPLHSPSPI[Arg294His]VHTVVDRPQQ